The following is an entry in ClinVar:

ClinVar aggregate classification (germline): Uncertain significance (1 of 4 stars; one submission).

Conditions:
Severe early-onset pulmonary alveolar proteinosis due to MARS deficiency. Also called: PULMONARY ALVEOLAR PROTEINOSIS, REUNION ISLAND; Interstitial lung and liver disease. Identifiers: Orphanet 440427, MedGen C4225400, MONDO:0014206, OMIM 615486.
Charcot-Marie-Tooth disease axonal type 2U. Also called: CHARCOT-MARIE-TOOTH NEUROPATHY, TYPE 2U; CHARCOT-MARIE-TOOTH DISEASE, AXONAL, AUTOSOMAL DOMINANT, TYPE 2U. Identifiers: Orphanet 397735, MedGen C4084821, MONDO:0014566, OMIM 616280.

Submission:

Labcorp Genetics (formerly Invitae), Labcorp
Classification: Uncertain significance for Charcot-Marie-Tooth disease axonal type 2U; Severe early-onset pulmonary alveolar proteinosis due to MARS deficiency. Last evaluated: 2023-12-09. Review status: criteria provided, single submitter. Criteria: Invitae Variant Classification Sherloc (09022015). Collection method: clinical testing. Allele origin: germline.
Comment: This variant results in a copy number gain of the genomic region encompassing exon(s) 8-11 of the MARS gene. While the exact position of this variant cannot be determined from the data, sub-genic copy number gains are generally in tandem (PMID: 25640679). This variant is predicted to be out-of-frame, and may result in an absent or disrupted protein product. However, the current clinical and genetic evidence is not sufficient to establish whether loss-of-function variants in MARS cause disease. This variant has not been reported in the literature in individuals affected with MARS-related conditions. In summary, the available evidence is currently insufficient to determine the role of this variant in disease. Therefore, it has been classified as a Variant of Uncertain Significance.

Literature cited by the submitters: PubMed 25640679.

NC_000012.11:g.(?_57891920)_(57898102_?)dup

Gene: MARS1 (methionyl-tRNA synthetase 1; plus strand). Cytogenetic location: 12q13.3.
Variant type: Duplication.
Identifiers: ClinVar variation 1681650 (VCV001681650.7).